The following is an entry in ClinVar:

NM_000179.3(MSH6):c.1025C>G (p.Ala342Gly)

Gene: MSH6 (mutS homolog 6; plus strand). Cytogenetic location: 2p16.3.
Variant type: single nucleotide variant.
Coding change: c.1025C>G on transcript NM_000179.3 (MANE Select); coding-DNA position 1025, C replaced by G.
Protein change: p.Ala342Gly; replaces alanine 342 with glycine.
Molecular consequence: missense variant.
Genome position (GRCh38, 1-based): chr2:47,799,008, C>G. VCF-style: chr2-47799008-C-G. GRCh37 (hg19) VCF-style: chr2-48026147-C-G.
Other names: c.635C>G, p.Ala212Gly (NM_001281492.2); c.119C>G, p.Ala40Gly (NM_001281493.2, NM_001281494.2); short protein forms A342G, A212G, A40G.
Identifiers: ClinVar variation 565750 (VCV000565750.12), dbSNP rs753617680, ClinGen allele CA346741360.

ClinVar aggregate classification (germline): Uncertain significance. Review status: criteria provided, multiple submitters, no conflicts (2 of 4 stars). 5 submissions from 5 submitters: Uncertain significance (5). Last evaluated 2025-09-12.

Conditions:
Hereditary nonpolyposis colorectal neoplasms. Identifiers: MedGen C0009405, MeSH D003123.
Hereditary cancer-predisposing syndrome. Also called: Hereditary neoplastic syndrome; Neoplastic Syndromes, Hereditary; Tumor predisposition; Hereditary Cancer Syndrome. Identifiers: Orphanet 140162, MedGen C0027672, MeSH D009386, MONDO:0015356.

Allele frequency attached by ClinVar (database versions not stated): gnomAD 0.00003.
gnomAD v4.1: 3 of 1,614,218 alleles (0.00019%); highest among the groups gnomAD compares: Non-Finnish European, 0.000085%; no homozygotes.

Submissions (5):

Ambry Genetics
Classification: Uncertain significance for Hereditary cancer-predisposing syndrome. Last evaluated: 2025-09-12. Review status: criteria provided, single submitter. Criteria: Ambry Variant Classification Scheme 2023. Collection method: clinical testing. Allele origin: germline.
Comment: The p.A342G variant (also known as c.1025C>G), located in coding exon 4 of the MSH6 gene, results from a C to G substitution at nucleotide position 1025. The alanine at codon 342 is replaced by glycine, an amino acid with similar properties. This amino acid position is well conserved in available vertebrate species. In addition, the in silico prediction for this alteration is inconclusive. Based on the available evidence, the clinical significance of this variant remains unclear.

Color Diagnostics, LLC DBA Color Health
Classification: Uncertain significance for Hereditary cancer-predisposing syndrome. Last evaluated: 2022-06-30. Review status: criteria provided, single submitter. Criteria: ACMG Guidelines, 2015. Collection method: clinical testing. Allele origin: germline.
Comment: This missense variant replaces alanine with glycine at codon 342 of the MSH6 protein. Computational prediction suggests that this variant may not impact protein structure and function (internally defined REVEL score threshold <= 0.5, PMID: 27666373). To our knowledge, functional studies have not been reported for this variant. This variant has not been reported in individuals affected with hereditary cancer in the literature. This variant has been identified in 1/31406 chromosomes in the general population by the Genome Aggregation Database (gnomAD). The available evidence is insufficient to determine the role of this variant in disease conclusively. Therefore, this variant is classified as a Variant of Uncertain Significance.

Quest Diagnostics Nichols Institute San Juan Capistrano
Classification: Uncertain significance. Last evaluated: 2020-03-16. Review status: criteria provided, single submitter. Criteria: Quest Diagnostics criteria. Collection method: clinical testing. Allele origin: unknown.

GeneKor MSA
Classification: Uncertain significance for Hereditary cancer-predisposing syndrome. Last evaluated: 2018-08-01. Review status: criteria provided, single submitter. Criteria: ACMG Guidelines, 2015. Collection method: clinical testing. Allele origin: germline.

Labcorp Genetics (formerly Invitae), Labcorp
Classification: Uncertain significance for Hereditary nonpolyposis colorectal neoplasms. Last evaluated: 2018-03-11. Review status: criteria provided, single submitter. Criteria: Invitae Variant Classification Sherloc (09022015). Collection method: clinical testing. Allele origin: germline.
Comment: In summary, the available evidence is currently insufficient to determine the role of this variant in disease. Therefore, it has been classified as a Variant of Uncertain Significance. Algorithms developed to predict the effect of missense changes on protein structure and function do not agree on the potential impact of this missense change (SIFT: "Tolerated"; PolyPhen-2: "Benign"; Align-GVGD: "Class C0"). This variant has not been reported in the literature in individuals with MSH6-related disease. This variant is not present in population databases (ExAC no frequency). This sequence change replaces alanine with glycine at codon 342 of the MSH6 protein (p.Ala342Gly). The alanine residue is moderately conserved and there is a small physicochemical difference between alanine and glycine.

Literature cited by the submitters: PubMed 31159747 (cited by Quest Diagnostics Nichols Institute San Juan Capistrano).